The following is an entry in ClinVar:

NM_001297.5(CNGB1):c.1644T>C (p.Asp548=)

Gene: CNGB1 (cyclic nucleotide gated channel subunit beta 1; minus strand). Cytogenetic location: 16q21.
Variant type: single nucleotide variant.
Coding change: c.1644T>C on transcript NM_001297.5 (MANE Select); coding-DNA position 1644, T replaced by C.
Protein change: p.Asp548=; no amino-acid change (aspartic acid 548 retained).
Molecular consequence: synonymous variant.
Genome position (GRCh38, 1-based): chr16:57,920,544, A>G on the plus strand (T>C on the coding strand, the complement: CNGB1 is on the minus strand). VCF-style: chr16-57920544-A-G. GRCh37 (hg19) VCF-style: chr16-57954448-A-G.
Other names: c.1626T>C, p.Asp542= (NM_001286130.2).
Identifiers: ClinVar variation 287440 (VCV000287440.19), dbSNP rs2161703, ClinGen allele CA8083341.

ClinVar aggregate classification (germline): Benign. Review status: criteria provided, multiple submitters, no conflicts (2 of 4 stars). 5 submissions from 5 submitters: Benign (5). Last evaluated 2026-02-02.

Conditions:
Retinitis pigmentosa (RP). Identifiers: Orphanet 791, MedGen C0035334, MeSH D012174, MONDO:0019200, OMIM 268000. Inheritance: Autosomal dominant, autosomal recessive and X linked inheritance.
Retinal dystrophy. Also called: Inherited retinal dystrophy. Identifiers: Orphanet 71862, MedGen C0854723, MeSH D058499, MONDO:0019118, HP:0000556.

Allele frequency attached by ClinVar (database versions not stated): ESP Exome Variant Server 0.12070; gnomAD 0.12201 and 0.11449; 1000 Genomes Project 30x 0.12664; TOPMed 0.12796; gnomAD exomes 0.02170 and 0.03670; ExAC 0.04125; 1000 Genomes Project 0.12041.
gnomAD v4.1: 49,885 of 1,611,964 alleles (3.1%); highest among the groups gnomAD compares: African/African-American, 37%; 5,505 homozygotes.

Submissions (5):

Labcorp Genetics (formerly Invitae), Labcorp
Classification: Benign. Last evaluated: 2026-02-02. Review status: criteria provided, single submitter. Criteria: Invitae Variant Classification Sherloc (09022015). Collection method: clinical testing. Allele origin: germline.

Dept Of Ophthalmology, Nagoya University
Classification: Benign for Retinal dystrophy. Last evaluated: 2023-10-01. Review status: criteria provided, single submitter. Criteria: Submitter's publication. Collection method: research. Allele origin: germline. Affected: yes.

Illumina Laboratory Services, Illumina
Classification: Benign for Retinitis pigmentosa. Last evaluated: 2018-01-13. Review status: criteria provided, single submitter. Criteria: ICSL Variant Classification Criteria 13 December 2019. Collection method: clinical testing. Allele origin: germline.
Comment: This variant was observed in the ICSL laboratory as part of a predisposition screen in an ostensibly healthy population. It had not been previously curated by ICSL or reported in the Human Gene Mutation Database (HGMD: prior to June 1st, 2018), and was therefore a candidate for classification through an automated scoring system. Utilizing variant allele frequency, disease prevalence and penetrance estimates, and inheritance mode, an automated score was calculated to assess if this variant is too frequent to cause the disease. Based on the score and internal cut-off values, a variant classified as benign is not then subjected to further curation. The score for this variant resulted in a classification of benign for this disease.

Eurofins Ntd Llc (ga)
Classification: Benign. Last evaluated: 2016-04-14. Review status: criteria provided, single submitter. Criteria: EGL Classification Definitions 2015. Collection method: clinical testing. Allele origin: germline. Observed: 1 variant allele, 1 heterozygote.

Breakthrough Genomics
Classification: Benign. Review status: criteria provided, single submitter. Criteria: ACMG Guidelines, 2015. Collection method: not provided. Allele origin: germline. Inheritance: Autosomal recessive inheritance. Affected: yes.